The following is an entry in ClinVar:

NM_001005242.3(PKP2):c.659A>G (p.Gln220Arg)

Gene: PKP2 (plakophilin 2; minus strand). Cytogenetic location: 12p11.21.
Variant type: single nucleotide variant.
Coding change: c.659A>G on transcript NM_001005242.3 (MANE Select); coding-DNA position 659, A replaced by G.
Protein change: p.Gln220Arg; replaces glutamine 220 with arginine.
Molecular consequence: missense variant.
Genome position (GRCh38, 1-based): chr12:32,878,221, T>C on the plus strand (A>G on the coding strand, the complement: PKP2 is on the minus strand). VCF-style: chr12-32878221-T-C. GRCh37 (hg19) VCF-style: chr12-33031155-T-C.
Other names: c.659A>G, p.Gln220Arg (NM_001407155.1, NM_001407156.1, NM_001407157.1 and 2 more transcripts); c.332A>G, p.Gln111Arg (NM_001407158.1, NM_001407159.1, NM_001407160.1 and 1 more transcripts); short protein forms Q111R, Q220R.
Identifiers: ClinVar variation 1911578 (VCV001911578.5), dbSNP rs2541340546, ClinGen allele CA384363654.

ClinVar aggregate classification (germline): Uncertain significance (1 of 4 stars; one submission).

Conditions:
Arrhythmogenic right ventricular dysplasia 9 (ARVD9). Also called: Arrhythmogenic Right Ventricular Dysplasia/Cardiomyopathy 9; ARRHYTHMOGENIC RIGHT VENTRICULAR DYSPLASIA, FAMILIAL, 9. Identifiers: MedGen C1836906, MONDO:0012180, OMIM 609040.

Allele frequency attached by ClinVar (database versions not stated): gnomAD exomes 0.00001.
gnomAD v4.1: 3 of 1,614,142 alleles (0.00019%); highest among the groups gnomAD compares: East Asian, 0.0067%; no homozygotes.

Submission:

Labcorp Genetics (formerly Invitae), Labcorp
Classification: Uncertain significance for Arrhythmogenic right ventricular dysplasia 9. Last evaluated: 2023-04-21. Review status: criteria provided, single submitter. Criteria: Invitae Variant Classification Sherloc (09022015). Collection method: clinical testing. Allele origin: germline.
Comment: This sequence change replaces glutamine, which is neutral and polar, with arginine, which is basic and polar, at codon 220 of the PKP2 protein (p.Gln220Arg). This variant is not present in population databases (gnomAD no frequency). This variant has not been reported in the literature in individuals affected with PKP2-related conditions. ClinVar contains an entry for this variant (Variation ID: 1911578). Algorithms developed to predict the effect of missense changes on protein structure and function output the following: SIFT: "Not Available"; PolyPhen-2: "Benign"; Align-GVGD: "Not Available". The arginine amino acid residue is found in multiple mammalian species, which suggests that this missense change does not adversely affect protein function. In summary, the available evidence is currently insufficient to determine the role of this variant in disease. Therefore, it has been classified as a Variant of Uncertain Significance.